The following is an entry in ClinVar:

ClinVar aggregate classification (germline): Uncertain significance (1 of 4 stars; one submission).

Conditions:
Primary ciliary dyskinesia. Also called: Ciliary dyskinesia. Identifiers: Orphanet 244, MedGen C0008780, MONDO:0016575, HP:0012265.

gnomAD v4.1: 24 of 1,596,406 alleles (0.0015%); highest among the groups gnomAD compares: South Asian, 0.0046%; no homozygotes.

Submission:

Labcorp Genetics (formerly Invitae), Labcorp
Classification: Uncertain significance for Primary ciliary dyskinesia. Last evaluated: 2022-06-23. Review status: criteria provided, single submitter. Criteria: Invitae Variant Classification Sherloc (09022015). Collection method: clinical testing. Allele origin: germline.
Comment: This sequence change replaces arginine, which is basic and polar, with glutamine, which is neutral and polar, at codon 480 of the DNAAF3 protein (p.Arg480Gln). This variant also falls at the last nucleotide of exon 11, which is part of the consensus splice site for this exon. This variant is present in population databases (rs771791101, gnomAD 0.007%). This variant has not been reported in the literature in individuals affected with DNAAF3-related conditions. Algorithms developed to predict the effect of missense changes on protein structure and function output the following: SIFT: "Deleterious"; PolyPhen-2: "Benign"; Align-GVGD: "Class C0". The glutamine amino acid residue is found in multiple mammalian species, which suggests that this missense change does not adversely affect protein function. Variants that disrupt the consensus splice site are a relatively common cause of aberrant splicing (PMID: 17576681, 9536098). Algorithms developed to predict the effect of sequence changes on RNA splicing suggest that this variant may disrupt the consensus splice site. In summary, the available evidence is currently insufficient to determine the role of this variant in disease. Therefore, it has been classified as a Variant of Uncertain Significance.

Literature cited by the submitters: PubMed 17576681; PubMed 9536098.

NM_001256715.2(DNAAF3):c.1238G>A (p.Arg413Gln)

Genes: DNAAF3 (dynein axonemal assembly factor 3; minus strand), DNAAF3-AS1 (DNAAF3 antisense RNA 1; plus strand). Cytogenetic location: 19q13.42.
Variant type: single nucleotide variant.
Coding change: c.1238G>A on transcript NM_001256715.2 (MANE Select); coding-DNA position 1238, G replaced by A.
Protein change: p.Arg413Gln; replaces arginine 413 with glutamine.
Molecular consequence: missense variant.
Genome position (GRCh38, 1-based): chr19:55,159,533, C>T on the plus strand (G>A on the coding strand, the complement: DNAAF3 is on the minus strand). VCF-style: chr19-55159533-C-T. GRCh37 (hg19) VCF-style: chr19-55670901-C-T.
Other names: c.1439G>A, p.Arg480Gln (NM_001256714.1); c.1076G>A, p.Arg359Gln (NM_001256716.2); c.1379G>A, p.Arg460Gln (NM_178837.4); short protein forms R460Q, R413Q, R359Q, R480Q.
Identifiers: ClinVar variation 2160533 (VCV002160533.1), dbSNP rs771791101, ClinGen allele CA9667841.